The following is an entry in ClinVar:

ClinVar aggregate classification (germline): Uncertain significance (1 of 4 stars; one submission).

Conditions:
Epileptic encephalopathy. Identifiers: MedGen C0543888, HP:0200134.

Submission:

Labcorp Genetics (formerly Invitae), Labcorp
Classification: Uncertain significance for Epileptic encephalopathy. Last evaluated: 2024-02-15. Review status: criteria provided, single submitter. Criteria: Invitae Variant Classification Sherloc (09022015). Collection method: clinical testing. Allele origin: germline.
Comment: This sequence change replaces serine, which is neutral and polar, with phenylalanine, which is neutral and non-polar, at codon 640 of the GABBR2 protein (p.Ser640Phe). This variant is not present in population databases (gnomAD no frequency). This variant has not been reported in the literature in individuals affected with GABBR2-related conditions. Advanced modeling of protein sequence and biophysical properties (such as structural, functional, and spatial information, amino acid conservation, physicochemical variation, residue mobility, and thermodynamic stability) performed at Invitae indicates that this missense variant is not expected to disrupt GABBR2 protein function with a negative predictive value of 80%. In summary, the available evidence is currently insufficient to determine the role of this variant in disease. Therefore, it has been classified as a Variant of Uncertain Significance.

NM_005458.8(GABBR2):c.1919C>T (p.Ser640Phe)

Gene: GABBR2 (gamma-aminobutyric acid type B receptor subunit 2; minus strand). Cytogenetic location: 9q22.33.
Variant type: single nucleotide variant.
Coding change: c.1919C>T on transcript NM_005458.8 (MANE Select); coding-DNA position 1919, C replaced by T.
Protein change: p.Ser640Phe; replaces serine 640 with phenylalanine.
Molecular consequence: missense variant.
Genome position (GRCh38, 1-based): chr9:98,311,180, G>A on the plus strand (C>T on the coding strand, the complement: GABBR2 is on the minus strand). VCF-style: chr9-98311180-G-A. GRCh37 (hg19) VCF-style: chr9-101073462-G-A.
Other names: short protein forms S640F.
Identifiers: ClinVar variation 2772239 (VCV002772239.3), dbSNP rs2491221593, ClinGen allele CA374203740.
Genomic context (GRCh38, chr9:98,311,180, plus strand): 5'-ACGATGCCAAGCCAGATGGTCATATGGGTGTTCTCACAGTGCTCCAGGAGAGGGCGGATG[G>A]AGATATCCCGTCCTGCTGGGTCCGGCTGTGCAAAGAGAAAACAGAGACTCAGGGATGGCA-3'
Protein context (NP_005449.5, residues 630-650): MEPDPAGRDI[Ser640Phe]IRPLLEHCEN